The following is an entry in ClinVar:

NM_001368809.2(AMPD2):c.143C>T (p.Pro48Leu)

Gene: AMPD2 (adenosine monophosphate deaminase 2; plus strand). Cytogenetic location: 1p13.3.
Variant type: single nucleotide variant.
Coding change: c.143C>T on transcript NM_001368809.2 (MANE Select); coding-DNA position 143, C replaced by T.
Protein change: p.Pro48Leu; replaces proline 48 with leucine.
Molecular consequence: missense variant. On other transcripts: 5 prime UTR variant (1), intron variant (1).
Genome position (GRCh38, 1-based): chr1:109,625,354, C>T. VCF-style: chr1-109625354-C-T. GRCh37 (hg19) VCF-style: chr1-110167976-C-T.
Other names: c.-50C>T (NM_001257361.2); c.143C>T, p.Pro48Leu (NM_004037.9); c.62C>T, p.Pro21Leu (NM_139156.4); c.160-308C>T (NM_001308170.1); c.305C>T (NM_004037.6); short protein forms P21L, P48L.
Identifiers: ClinVar variation 1050854 (VCV001050854.7), dbSNP rs770051774, ClinGen allele CA992685.
Genomic context (GRCh38, chr1:109,625,354, plus strand): 5'-TCTCTGCAGAGGCTCGGGGTGGTCTGGGGGCCCCTCCGCTGCAGTCTGCCCGATCCCTGC[C>T]GGGCCCCGCCCCCTGCCTCAAGCACTTCCCGCTCGACCTGCGCACGTCTATGGATGGCAA-3'
Protein context (NP_001355738.1, residues 38-58): APPLQSARSL[Pro48Leu]GPAPCLKHFP

ClinVar aggregate classification (germline): Uncertain significance. Review status: criteria provided, multiple submitters, no conflicts (2 of 4 stars). 4 submissions from 3 submitters: Uncertain significance (4). Last evaluated 2023-04-11.

Conditions:
Inborn genetic diseases. Identifiers: MedGen C0950123, MeSH D030342.
Pontocerebellar hypoplasia type 9. Identifiers: Orphanet 369920, MedGen C4014354, MONDO:0014351, OMIM 615809.
Hereditary spastic paraplegia 63. Also called: Spastic paraplegia 63, autosomal recessive. Identifiers: Orphanet 401805, MedGen C3810295, MONDO:0014305, OMIM 615686.

Allele frequency attached by ClinVar (database versions not stated): gnomAD exomes 0.00001 and 0.00003; gnomAD 0.00002 and 0.00003; TOPMed 0.00002; ExAC 0.00004.
gnomAD v4.1: 13 of 1,613,514 alleles (0.00081%); highest among the groups gnomAD compares: Middle Eastern, 0.016%; no homozygotes.

Submissions (4):

Genome-Nilou Lab
Classification: Uncertain significance for Hereditary spastic paraplegia 63. Last evaluated: 2023-04-11. Review status: criteria provided, single submitter. Criteria: ACMG Guidelines, 2015. Collection method: clinical testing. Allele origin: germline. Affected: no.

Genome-Nilou Lab
Classification: Uncertain significance for Pontocerebellar hypoplasia type 9. Last evaluated: 2023-04-11. Review status: criteria provided, single submitter. Criteria: ACMG Guidelines, 2015. Collection method: clinical testing. Allele origin: germline. Affected: no.

Ambry Genetics
Classification: Uncertain significance for Inborn genetic diseases. Last evaluated: 2022-05-11. Review status: criteria provided, single submitter. Criteria: Ambry Variant Classification Scheme 2023. Collection method: clinical testing. Allele origin: germline.

Labcorp Genetics (formerly Invitae), Labcorp
Classification: Uncertain significance for Pontocerebellar hypoplasia type 9; Hereditary spastic paraplegia 63. Last evaluated: 2022-03-03. Review status: criteria provided, single submitter. Criteria: Invitae Variant Classification Sherloc (09022015). Collection method: clinical testing. Allele origin: germline.
Comment: This variant is present in population databases (rs770051774, gnomAD 0.006%). This sequence change replaces proline, which is neutral and non-polar, with leucine, which is neutral and non-polar, at codon 102 of the AMPD2 protein (p.Pro102Leu). This variant has not been reported in the literature in individuals affected with AMPD2-related conditions. ClinVar contains an entry for this variant (Variation ID: 1050854). Algorithms developed to predict the effect of missense changes on protein structure and function are either unavailable or do not agree on the potential impact of this missense change (SIFT: "Tolerated"; PolyPhen-2: "Possibly Damaging"; Align-GVGD: "Class C15"). In summary, the available evidence is currently insufficient to determine the role of this variant in disease. Therefore, it has been classified as a Variant of Uncertain Significance.